The following is an entry in ClinVar:

ClinVar aggregate classification (germline): Likely benign (1 of 4 stars; one submission).

Conditions:
ACTN4-related disorder. Also called: ACTN4-related condition.

gnomAD v4.1: 1 of 1,611,632 alleles (0.000062%); highest among the groups gnomAD compares: African/African-American, 0.0013%; no homozygotes.

Submission:

PreventionGenetics, part of Exact Sciences
Classification: Likely benign for ACTN4-related condition. Last evaluated: 2026-05-26. Review status: criteria provided, single submitter. Criteria: ACMG Guidelines, 2015. Collection method: clinical testing. Allele origin: germline.
Comment: This variant is classified as likely benign based on ACMG/AMP sequence variant interpretation guidelines (Richards et al. 2015 PMID: 25741868, with internal and published modifications).

NM_004924.6(ACTN4):c.163-6C>T

Gene: ACTN4 (actinin alpha 4; plus strand). Cytogenetic location: 19q13.2.
Variant type: single nucleotide variant.
Coding change: c.163-6C>T on transcript NM_004924.6 (MANE Select); 6 bases into the intron before coding-DNA position 163, C replaced by T.
Molecular consequence: intron variant.
Genome position (GRCh38, 1-based): chr19:38,700,594, C>T. VCF-style: chr19-38700594-C-T. GRCh37 (hg19) VCF-style: chr19-39191234-C-T.
Other names: c.163-6C>T (NM_001411143.1, NM_001322033.2, NM_001440296.1 and 2 more transcripts); c.-90-6C>T (NM_001440299.1).
Identifiers: ClinVar variation 4996109 (VCV004996109.1).